The following is an entry in ClinVar:

ClinVar aggregate classification (germline): Likely benign. Review status: criteria provided, multiple submitters, no conflicts (2 of 4 stars). 2 submissions from 2 submitters: Likely benign (2). Last evaluated 2025-12-12.

Conditions:
Brown-Vialetto-van Laere syndrome 2. Also called: SPINOCEREBELLAR ATAXIA WITH BLINDNESS AND DEAFNESS 2; Riboflavin transporter deficiency type 2. Identifiers: Orphanet 572543, Orphanet 97229, MedGen C3553538, MONDO:0013867, OMIM 614707.

Allele frequency attached by ClinVar (database versions not stated): gnomAD 0.00005 and 0.00003; 1000 Genomes Project 30x 0.00016; 1000 Genomes Project 0.00020; gnomAD exomes 0.00004; ExAC 0.00005; TOPMed 0.00003.
gnomAD v4.1: 67 of 1,613,570 alleles (0.0042%); highest among the groups gnomAD compares: South Asian, 0.022%; no homozygotes.

Submissions (2):

Labcorp Genetics (formerly Invitae), Labcorp
Classification: Likely benign for Brown-Vialetto-van Laere syndrome 2. Last evaluated: 2025-12-12. Review status: criteria provided, single submitter. Criteria: Invitae Variant Classification Sherloc (09022015). Collection method: clinical testing. Allele origin: germline.

Laboratory for Molecular Medicine, Mass General Brigham Personalized Medicine
Classification: Likely benign. Last evaluated: 2017-08-23. Review status: criteria provided, single submitter. Criteria: LMM Criteria. Collection method: clinical testing. Allele origin: germline. Observed: 1 variant allele.
Comment: p.His431His in exon 5 of SLC52A2: This variant is not expected to have clinical significance because it does not alter an amino acid residue and is not located within the splice consensus sequence. It has been identified in 0.02% (3/16510) of South Asian chromosomes by the Exome Aggregation Consortium (ExAC; dbSNP rs184190914).

NM_001363118.2(SLC52A2):c.1293C>T (p.His431=)

Gene: SLC52A2 (solute carrier family 52 member 2; plus strand). Cytogenetic location: 8q24.3.
Variant type: single nucleotide variant.
Coding change: c.1293C>T on transcript NM_001363118.2 (MANE Select); coding-DNA position 1293, C replaced by T.
Protein change: p.His431=; no amino-acid change (histidine 431 retained).
Molecular consequence: synonymous variant. On other transcripts: non-coding transcript variant (1).
Genome position (GRCh38, 1-based): chr8:144,360,970, C>T. VCF-style: chr8-144360970-C-T. GRCh37 (hg19) VCF-style: chr8-145584630-C-T.
Other names: c.1293C>T, p.His431= (NM_001253815.2, NM_001253816.2, NM_001363120.2 and 2 more transcripts); c.801C>T, p.His267= (NM_001363122.2).
Identifiers: ClinVar variation 771681 (VCV000771681.14), dbSNP rs184190914, ClinGen allele CA4938462.